The following is an entry in ClinVar:

ClinVar aggregate classification (germline): Uncertain significance. Review status: criteria provided, multiple submitters, no conflicts (2 of 4 stars). 2 submissions from 2 submitters: Uncertain significance (2). Last evaluated 2024-04-17.

Allele frequency attached by ClinVar (database versions not stated): gnomAD 0.00001; TOPMed 0.00001.

Submissions (2):

Labcorp Genetics (formerly Invitae), Labcorp
Classification: Uncertain significance. Last evaluated: 2024-04-17. Review status: criteria provided, single submitter. Criteria: Invitae Variant Classification Sherloc (09022015). Collection method: clinical testing. Allele origin: germline.
Comment: This sequence change replaces arginine, which is basic and polar, with tryptophan, which is neutral and slightly polar, at codon 7 of the GALNT12 protein (p.Arg7Trp). This variant is not present in population databases (gnomAD no frequency). This variant has not been reported in the literature in individuals affected with GALNT12-related conditions. ClinVar contains an entry for this variant (Variation ID: 1784154). Algorithms developed to predict the effect of missense changes on protein structure and function output the following: SIFT: "Not Available"; PolyPhen-2: "Not Available"; Align-GVGD: "Not Available". The tryptophan amino acid residue is found in multiple mammalian species, which suggests that this missense change does not adversely affect protein function. In summary, the available evidence is currently insufficient to determine the role of this variant in disease. Therefore, it has been classified as a Variant of Uncertain Significance.

Ambry Genetics
Classification: Uncertain significance. Last evaluated: 2023-11-19. Review status: criteria provided, single submitter. Criteria: Ambry Variant Classification Scheme 2023. Collection method: clinical testing. Allele origin: germline.
Comment: The p.R7W variant (also known as c.19C>T), located in coding exon 1 of the GALNT12 gene, results from a C to T substitution at nucleotide position 19. The arginine at codon 7 is replaced by tryptophan, an amino acid with dissimilar properties. This amino acid position is conserved. In addition, this alteration is predicted to be tolerated by in silico analysis. Since supporting evidence is limited at this time, the clinical significance of this alteration remains unclear.

NM_024642.5(GALNT12):c.19C>T (p.Arg7Trp)

Gene: GALNT12 (polypeptide N-acetylgalactosaminyltransferase 12; plus strand). Cytogenetic location: 9q22.33.
Variant type: single nucleotide variant.
Coding change: c.19C>T on transcript NM_024642.5 (MANE Select); coding-DNA position 19, C replaced by T.
Protein change: p.Arg7Trp; replaces arginine 7 with tryptophan.
Molecular consequence: missense variant.
Genome position (GRCh38, 1-based): chr9:98,807,717, C>T. VCF-style: chr9-98807717-C-T. GRCh37 (hg19) VCF-style: chr9-101569999-C-T.
Other names: short protein forms R7W.
Identifiers: ClinVar variation 1784154 (VCV001784154.4), dbSNP rs1835404781, ClinGen allele CA374222028.